The following is an entry in ClinVar:

NM_152564.5(VPS13B):c.2561A>G (p.Gln854Arg)

Gene: VPS13B (vacuolar protein sorting 13 homolog B; plus strand). Cytogenetic location: 8q22.2.
Variant type: single nucleotide variant.
Coding change: c.2561A>G on transcript NM_152564.5 (MANE Select); coding-DNA position 2561, A replaced by G.
Protein change: p.Gln854Arg; replaces glutamine 854 with arginine.
Molecular consequence: missense variant.
Genome position (GRCh38, 1-based): chr8:99,274,243, A>G. VCF-style: chr8-99274243-A-G. GRCh37 (hg19) VCF-style: chr8-100286471-A-G.
Other names: c.2561A>G, p.Gln854Arg (NM_017890.5); short protein forms Q854R.
Identifiers: ClinVar variation 1390152 (VCV001390152.6), dbSNP rs936610679, ClinGen allele CA182929581.

ClinVar aggregate classification (germline): Uncertain significance (1 of 4 stars; one submission).

Conditions:
Cohen syndrome (COH1). Also called: PEPPER SYNDROME; Cutis verticis gyrata, retinitis pigmentosa, and sensorineural deafness. Identifiers: Orphanet 193, MedGen C0265223, MONDO:0008999, OMIM 216550.

Allele frequency attached by ClinVar (database versions not stated): gnomAD exomes below 0.00001 and 0.00001; gnomAD 0.00001 and 0.00002; TOPMed 0.00002.
gnomAD v4.1: 14 of 1,614,060 alleles (0.00087%); highest among the groups gnomAD compares: Non-Finnish European, 0.0011%; no homozygotes.

Submission:

Labcorp Genetics (formerly Invitae), Labcorp
Classification: Uncertain significance for Cohen syndrome. Last evaluated: 2021-10-29. Review status: criteria provided, single submitter. Criteria: Invitae Variant Classification Sherloc (09022015). Collection method: clinical testing. Allele origin: germline.
Comment: In summary, the available evidence is currently insufficient to determine the role of this variant in disease. Therefore, it has been classified as a Variant of Uncertain Significance. Algorithms developed to predict the effect of missense changes on protein structure and function are either unavailable or do not agree on the potential impact of this missense change (SIFT: "Not Available"; PolyPhen-2: "Benign"; Align-GVGD: "Not Available"). This variant has not been reported in the literature in individuals affected with VPS13B-related conditions. This variant is not present in population databases (gnomAD no frequency). This sequence change replaces glutamine, which is neutral and polar, with arginine, which is basic and polar, at codon 854 of the VPS13B protein (p.Gln854Arg).